The following is an entry in ClinVar:

ClinVar aggregate classification (germline): Pathogenic (1 of 4 stars; one submission).

Conditions:
Intellectual disability-microcephaly-strabismus-behavioral abnormalities syndrome. Also called: White-Sutton Syndrome. Identifiers: Orphanet 468678, MedGen C4225351, MONDO:0014606, OMIM 616364.

Submission:

Institute of Human Genetics, University of Leipzig Medical Center
Classification: Pathogenic for Intellectual disability-microcephaly-strabismus-behavioral abnormalities syndrome. Last evaluated: 2025-09-03. Review status: criteria provided, single submitter. Criteria: ACMG Guidelines, 2015. Collection method: clinical testing. Allele origin: de novo. Inheritance: Autosomal dominant inheritance. Affected: yes.
Comment: Criteria applied: PS2,PS4_MOD,PM2,PS3_SUP,PP2

NM_015100.4(POGZ):c.3125A>G (p.Gln1042Arg)

Gene: POGZ (pogo transposable element derived with ZNF domain; minus strand). Cytogenetic location: 1q21.3.
Variant type: single nucleotide variant.
Coding change: c.3125A>G on transcript NM_015100.4 (MANE Select); coding-DNA position 3125, A replaced by G.
Protein change: p.Gln1042Arg; replaces glutamine 1042 with arginine.
Molecular consequence: missense variant.
Genome position (GRCh38, 1-based): chr1:151,405,910, T>C on the plus strand (A>G on the coding strand, the complement: POGZ is on the minus strand). VCF-style: chr1-151405910-T-C. GRCh37 (hg19) VCF-style: chr1-151378386-T-C.
Other names: c.3098A>G, p.Gln1033Arg (NM_001194937.2); c.2939A>G, p.Gln980Arg (NM_001194938.2); c.3146A>G, p.Gln1049Arg (NM_001410860.1); c.2840A>G, p.Gln947Arg (NM_145796.4); c.2966A>G, p.Gln989Arg (NM_207171.2); short protein forms Q1033R, Q1042R, Q1049R, Q947R, Q980R, Q989R.
Identifiers: ClinVar variation 4279023 (VCV004279023.1).
Genomic context (GRCh38, chr1:151,405,910, plus strand): 5'-TCCAAAGAACGTCCTATTTTGGTGGCCTTCTGGAACAAGGTCTCCTCATTTACAGGTAGC[T>C]GTTGTTCGCGCTGGGTTAGCACCCACTCAGCCAGTTTCTCTTCTGCCTCAAAGCTCAGAT-3'
Protein context (NP_055915.2, residues 1032-1052): AEWVLTQREQ[Gln1042Arg]LPVNEETLFQ